The following is an entry in ClinVar:

NM_015338.6(ASXL1):c.2713G>T (p.Asp905Tyr)

Gene: ASXL1 (ASXL transcriptional regulator 1; plus strand). Cytogenetic location: 20q11.21.
Variant type: single nucleotide variant.
Coding change: c.2713G>T on transcript NM_015338.6 (MANE Select); coding-DNA position 2713, G replaced by T.
Protein change: p.Asp905Tyr; replaces aspartic acid 905 with tyrosine.
Molecular consequence: missense variant.
Genome position (GRCh38, 1-based): chr20:32,435,425, G>T. VCF-style: chr20-32435425-G-T. GRCh37 (hg19) VCF-style: chr20-31023228-G-T.
Other names: c.2530G>T, p.Asp844Tyr (NM_001363734.1); short protein forms D844Y, D905Y.
Identifiers: ClinVar variation 4159592 (VCV004159592.1).

ClinVar aggregate classification (germline): Uncertain significance (1 of 4 stars; one submission).

Conditions:
Inborn genetic diseases. Identifiers: MedGen C0950123, MeSH D030342.

Submission:

Ambry Genetics
Classification: Uncertain significance for Inborn genetic diseases. Last evaluated: 2025-09-11. Review status: criteria provided, single submitter. Criteria: Ambry Variant Classification Scheme 2023. Collection method: clinical testing. Allele origin: germline.
Comment: The p.D905Y variant (also known as c.2713G>T), located in coding exon 13 of the ASXL1 gene, results from a G to T substitution at nucleotide position 2713. The aspartic acid at codon 905 is replaced by tyrosine, an amino acid with highly dissimilar properties. This amino acid position is conserved. In addition, this alteration is predicted to be tolerated by in silico analysis. Based on the available evidence, the clinical significance of this variant remains unclear.